The following is an entry in ClinVar:

ClinVar aggregate classification (germline): Uncertain significance. Review status: criteria provided, multiple submitters, no conflicts (2 of 4 stars). 2 submissions from 2 submitters: Uncertain significance (2). Last evaluated 2026-06-09.

Conditions:
Inborn genetic diseases. Identifiers: MedGen C0950123, MeSH D030342.

Allele frequency attached by ClinVar (database versions not stated): ExAC 0.00001; gnomAD 0.00002; TOPMed 0.00001.
gnomAD v4.1: 28 of 1,607,256 alleles (0.0017%); highest among the groups gnomAD compares: East Asian, 0.0045%; no homozygotes.

Submissions (2):

Ambry Genetics
Classification: Uncertain significance for Inborn genetic diseases. Last evaluated: 2026-06-09. Review status: criteria provided, single submitter. Criteria: Ambry Variant Classification Scheme 2023. Collection method: clinical testing. Allele origin: germline.
Comment: The p.E298K variant (also known as c.892G>A), located in coding exon 9 of the CASQ1 gene, results from a G to A substitution at nucleotide position 892. The glutamic acid at codon 298 is replaced by lysine, an amino acid with similar properties. This amino acid position is conserved. In addition, the in silico prediction for this alteration is inconclusive. Based on the available evidence, the clinical significance of this variant remains unclear.

Labcorp Genetics (formerly Invitae), Labcorp
Classification: Uncertain significance. Last evaluated: 2026-01-26. Review status: criteria provided, single submitter. Criteria: Invitae Variant Classification Sherloc (09022015). Collection method: clinical testing. Allele origin: germline.
Comment: This sequence change replaces glutamic acid, which is acidic and polar, with lysine, which is basic and polar, at codon 298 of the CASQ1 protein (p.Glu298Lys). This variant is present in population databases (rs765926758, gnomAD 0.01%). This variant has not been reported in the literature in individuals affected with CASQ1-related conditions. ClinVar contains an entry for this variant (Variation ID: 1478102). Invitae Evidence Modeling of protein sequence and biophysical properties (such as structural, functional, and spatial information, amino acid conservation, physicochemical variation, residue mobility, and thermodynamic stability) indicates that this missense variant is not expected to disrupt CASQ1 protein function with a negative predictive value of 80%. In summary, the available evidence is currently insufficient to determine the role of this variant in disease. Therefore, it has been classified as a Variant of Uncertain Significance.

NM_001231.5(CASQ1):c.892G>A (p.Glu298Lys)

Gene: CASQ1 (calsequestrin 1; plus strand). Cytogenetic location: 1q23.2.
Variant type: single nucleotide variant.
Coding change: c.892G>A on transcript NM_001231.5 (MANE Select); coding-DNA position 892, G replaced by A.
Protein change: p.Glu298Lys; replaces glutamic acid 298 with lysine.
Molecular consequence: missense variant.
Genome position (GRCh38, 1-based): chr1:160,198,961, G>A. VCF-style: chr1-160198961-G-A. GRCh37 (hg19) VCF-style: chr1-160168751-G-A.
Other names: c.892G>A (NM_001231.4); short protein forms E298K.
Identifiers: ClinVar variation 1478102 (VCV001478102.7), dbSNP rs765926758, ClinGen allele CA1196395.